The following is an entry in ClinVar:

ClinVar aggregate classification (germline): Uncertain significance (1 of 4 stars; one submission).

Allele frequency attached by ClinVar (database versions not stated): gnomAD exomes below 0.00001; ExAC 0.00001.
gnomAD v4.1: 1 of 1,613,894 alleles (0.000062%); highest among the groups gnomAD compares: Admixed American, 0.0017%; no homozygotes.

Submission:

Labcorp Genetics (formerly Invitae), Labcorp
Classification: Uncertain significance. Last evaluated: 2022-06-13. Review status: criteria provided, single submitter. Criteria: Invitae Variant Classification Sherloc (09022015). Collection method: clinical testing. Allele origin: germline.
Comment: In summary, the available evidence is currently insufficient to determine the role of this variant in disease. Therefore, it has been classified as a Variant of Uncertain Significance. This variant disrupts the p.Tyr583 amino acid residue in PDE6A. Other variant(s) that disrupt this residue have been observed in individuals with PDE6A-related conditions (PMID: 33090715), which suggests that this may be a clinically significant amino acid residue. Algorithms developed to predict the effect of missense changes on protein structure and function are either unavailable or do not agree on the potential impact of this missense change (SIFT: "Deleterious"; PolyPhen-2: "Probably Damaging"; Align-GVGD: "Class C0"). ClinVar contains an entry for this variant (Variation ID: 958026). This missense change has been observed in individual(s) with PDE6A-related disease (Invitae). This variant is present in population databases (rs770071916, gnomAD 0.003%). This sequence change replaces tyrosine, which is neutral and polar, with cysteine, which is neutral and slightly polar, at codon 583 of the PDE6A protein (p.Tyr583Cys).

Literature cited by the submitters: PubMed 33090715.

NM_000440.3(PDE6A):c.1748A>G (p.Tyr583Cys)

Gene: PDE6A (phosphodiesterase 6A; minus strand). Cytogenetic location: 5q32.
Variant type: single nucleotide variant.
Coding change: c.1748A>G on transcript NM_000440.3 (MANE Select); coding-DNA position 1748, A replaced by G.
Protein change: p.Tyr583Cys; replaces tyrosine 583 with cysteine.
Molecular consequence: missense variant.
Genome position (GRCh38, 1-based): chr5:149,886,355, T>C on the plus strand (A>G on the coding strand, the complement: PDE6A is on the minus strand). VCF-style: chr5-149886355-T-C. GRCh37 (hg19) VCF-style: chr5-149265918-T-C.
Other names: short protein forms Y583C.
Identifiers: ClinVar variation 958026 (VCV000958026.9), dbSNP rs770071916, ClinGen allele CA3504546.